The following is an entry in ClinVar:

ClinVar aggregate classification (germline): Benign/Likely benign. Review status: criteria provided, multiple submitters, no conflicts (2 of 4 stars). 5 submissions from 5 submitters: Benign (1); Likely benign (4). Last evaluated 2025-09-24.

Conditions:
Classic or attenuated familial adenomatous polyposis. Identifiers: MedGen CN372698, MONDO:0021057.
Hereditary cancer-predisposing syndrome. Also called: Neoplastic Syndromes, Hereditary; Tumor predisposition; Hereditary Cancer Syndrome; Hereditary neoplastic syndrome. Identifiers: Orphanet 140162, MedGen C0027672, MeSH D009386, MONDO:0015356.
Familial adenomatous polyposis 1 (FAP1). Also called: FAMILIAL ADENOMATOUS POLYPOSIS 1, ATTENUATED; POLYPOSIS, ADENOMATOUS INTESTINAL. Identifiers: MedGen C2713442, MONDO:0021056, OMIM 175100. Disease mechanism: loss of function.

gnomAD v4.1: 4 of 1,613,888 alleles (0.00025%); highest among the groups gnomAD compares: Non-Finnish European, 0.00034%; no homozygotes.

Submissions (5):

Labcorp Genetics (formerly Invitae), Labcorp
Classification: Likely benign for Familial adenomatous polyposis 1. Last evaluated: 2025-09-24. Review status: criteria provided, single submitter. Criteria: Invitae Variant Classification Sherloc (09022015). Collection method: clinical testing. Allele origin: germline.

Myriad Genetics, Inc.
Classification: Benign for Familial adenomatous polyposis 1. Last evaluated: 2024-04-02. Review status: criteria provided, single submitter. Criteria: Myriad Autosomal Dominant, Autosomal Recessive and X-Linked Classification Criteria (2023). Collection method: clinical testing. Allele origin: unknown.
Comment: This variant is considered benign. This variant is a silent/synonymous amino acid change and it is not expected to impact splicing.

All of Us Research Program, National Institutes of Health
Classification: Likely benign for Classic or attenuated familial adenomatous polyposis. Last evaluated: 2023-03-23. Review status: criteria provided, single submitter. Criteria: ACMG Guidelines, 2015. Collection method: clinical testing. Allele origin: germline. Inheritance: Autosomal dominant inheritance. Observed: 1 variant allele, 1 heterozygote.
Comment: This study involves interpretation of variants in research participants for the purpose of population health screening. Participant phenotype was not available at the time of variant classification. Additional details can be found in publication PMID: 35346344, PMCID: PMC8962531

Ambry Genetics
Classification: Likely benign for Hereditary cancer-predisposing syndrome. Last evaluated: 2020-01-29. Review status: criteria provided, single submitter. Criteria: Ambry Variant Classification Scheme 2023. Collection method: clinical testing. Allele origin: germline.

Color Diagnostics, LLC DBA Color Health
Classification: Likely benign for Hereditary cancer-predisposing syndrome. Last evaluated: 2019-05-14. Review status: criteria provided, single submitter. Criteria: ACMG Guidelines, 2015. Collection method: clinical testing. Allele origin: germline.

NM_000038.6(APC):c.5634G>A (p.Lys1878=)

Gene: APC (APC regulator of Wnt signaling pathway; plus strand). Cytogenetic location: 5q22.2.
Variant type: single nucleotide variant.
Coding change: c.5634G>A on transcript NM_000038.6 (MANE Select); coding-DNA position 5634, G replaced by A.
Protein change: p.Lys1878=; no amino-acid change (lysine 1878 retained).
Molecular consequence: synonymous variant.
Genome position (GRCh38, 1-based): chr5:112,841,228, G>A. VCF-style: chr5-112841228-G-A. GRCh37 (hg19) VCF-style: chr5-112176925-G-A.
Other names: c.5664G>A, p.Lys1888= (NM_001354897.2); c.5559G>A, p.Lys1853= (NM_001354898.2); c.5550G>A, p.Lys1850= (NM_001354899.2); c.5511G>A, p.Lys1837= (NM_001354900.2); c.5457G>A, p.Lys1819= (NM_001354901.2); c.5361G>A, p.Lys1787= (NM_001354902.2); c.5331G>A, p.Lys1777= (NM_001354903.2); c.5634G>A, p.Lys1878= (NM_001127510.3, NM_001354895.2); and 5 more.
Identifiers: ClinVar variation 921438 (VCV000921438.16), dbSNP rs1580662013, ClinGen allele CA446208981.